The following is an entry in ClinVar:

NM_000110.4(DPYD):c.2148T>A (p.Asp716Glu)

Genes: DPYD (dihydropyrimidine dehydrogenase; minus strand), DPYD-AS1 (DPYD antisense RNA 1; plus strand). Cytogenetic location: 1p21.3.
Variant type: single nucleotide variant.
Coding change: c.2148T>A on transcript NM_000110.4 (MANE Select); coding-DNA position 2148, T replaced by A.
Protein change: p.Asp716Glu; replaces aspartic acid 716 with glutamic acid.
Molecular consequence: missense variant. On other transcripts: non-coding transcript variant (1).
Genome position (GRCh38, 1-based): chr1:97,306,208, A>T on the plus strand (T>A on the coding strand, the complement: DPYD is on the minus strand). VCF-style: chr1-97306208-A-T. GRCh37 (hg19) VCF-style: chr1-97771764-A-T.
Other names: short protein forms D716E.
Identifiers: ClinVar variation 2567627 (VCV002567627.2), dbSNP rs1399492718, ClinGen allele CA341375330.

ClinVar aggregate classification (germline): Uncertain significance (1 of 4 stars; one submission).

Conditions:
Inborn genetic diseases. Identifiers: MedGen C0950123, MeSH D030342.

Allele frequency attached by ClinVar (database versions not stated): gnomAD 0.00001; TOPMed 0.00001.
gnomAD v4.1: 1 of 1,612,486 alleles (0.000062%); highest among the groups gnomAD compares: African/African-American, 0.0013%; no homozygotes.

Submission:

Ambry Genetics
Classification: Uncertain significance for Inborn genetic diseases. Last evaluated: 2023-04-18. Review status: criteria provided, single submitter. Criteria: Ambry Variant Classification Scheme 2023. Collection method: clinical testing. Allele origin: germline.
Comment: The p.D716E variant (also known as c.2148T>A), located in coding exon 17 of the DPYD gene, results from a T to A substitution at nucleotide position 2148. The aspartic acid at codon 716 is replaced by glutamic acid, an amino acid with highly similar properties. This amino acid position is conserved. In addition, this alteration is predicted to be tolerated by in silico analysis. Since supporting evidence is limited at this time, the clinical significance of this alteration remains unclear.